The following is an entry in ClinVar:

ClinVar aggregate classification (germline): Uncertain significance (1 of 4 stars; one submission).

Allele frequency attached by ClinVar (database versions not stated): gnomAD exomes below 0.00001 and 0.00001; TOPMed below 0.00001.
gnomAD v4.1: 14 of 1,608,240 alleles (0.00087%); highest among the groups gnomAD compares: Non-Finnish European, 0.0012%; no homozygotes.

Submission:

Labcorp Genetics (formerly Invitae), Labcorp
Classification: Uncertain significance. Last evaluated: 2022-11-22. Review status: criteria provided, single submitter. Criteria: Invitae Variant Classification Sherloc (09022015). Collection method: clinical testing. Allele origin: germline.
Comment: Algorithms developed to predict the effect of missense changes on protein structure and function are either unavailable or do not agree on the potential impact of this missense change (SIFT: "Deleterious"; PolyPhen-2: "Benign"; Align-GVGD: "Class C0"). ClinVar contains an entry for this variant (Variation ID: 1510946). In summary, the available evidence is currently insufficient to determine the role of this variant in disease. Therefore, it has been classified as a Variant of Uncertain Significance. This variant is not present in population databases (gnomAD no frequency). This sequence change replaces lysine, which is basic and polar, with glutamic acid, which is acidic and polar, at codon 2950 of the ASPM protein (p.Lys2950Glu). This variant has not been reported in the literature in individuals affected with ASPM-related conditions.

NM_018136.5(ASPM):c.8848A>G (p.Lys2950Glu)

Gene: ASPM (assembly factor for spindle microtubules; minus strand). Cytogenetic location: 1q31.3.
Variant type: single nucleotide variant.
Coding change: c.8848A>G on transcript NM_018136.5 (MANE Select); coding-DNA position 8848, A replaced by G.
Protein change: p.Lys2950Glu; replaces lysine 2950 with glutamic acid.
Molecular consequence: missense variant.
Genome position (GRCh38, 1-based): chr1:197,096,137, T>C on the plus strand (A>G on the coding strand, the complement: ASPM is on the minus strand). VCF-style: chr1-197096137-T-C. GRCh37 (hg19) VCF-style: chr1-197065267-T-C.
Other names: c.4093A>G, p.Lys1365Glu (NM_001206846.2); short protein forms K1365E, K2950E.
Identifiers: ClinVar variation 1510946 (VCV001510946.6), dbSNP rs1558325705, ClinGen allele CA344009530.